The following is an entry in ClinVar:

ClinVar aggregate classification (germline): Uncertain significance (1 of 4 stars; one submission).

Submission:

Labcorp Genetics (formerly Invitae), Labcorp
Classification: Uncertain significance. Last evaluated: 2025-05-09. Review status: criteria provided, single submitter. Criteria: Invitae Variant Classification Sherloc (09022015). Collection method: clinical testing. Allele origin: germline.
Comment: This sequence change replaces phenylalanine, which is neutral and non-polar, with leucine, which is neutral and non-polar, at codon 1173 of the TONSL protein (p.Phe1173Leu). This variant is not present in population databases (gnomAD no frequency). This variant has not been reported in the literature in individuals affected with TONSL-related conditions. Invitae Evidence Modeling of protein sequence and biophysical properties (such as structural, functional, and spatial information, amino acid conservation, physicochemical variation, residue mobility, and thermodynamic stability) indicates that this missense variant is not expected to disrupt TONSL protein function with a negative predictive value of 80%. In summary, the available evidence is currently insufficient to determine the role of this variant in disease. Therefore, it has been classified as a Variant of Uncertain Significance.

NM_013432.5(TONSL):c.3517T>C (p.Phe1173Leu)

Gene: TONSL (tonsoku like, DNA repair protein; minus strand). Cytogenetic location: 8q24.3.
Variant type: single nucleotide variant.
Coding change: c.3517T>C on transcript NM_013432.5 (MANE Select); coding-DNA position 3517, T replaced by C.
Protein change: p.Phe1173Leu; replaces phenylalanine 1173 with leucine.
Molecular consequence: missense variant.
Genome position (GRCh38, 1-based): chr8:144,433,630, A>G on the plus strand (T>C on the coding strand, the complement: TONSL is on the minus strand). VCF-style: chr8-144433630-A-G. GRCh37 (hg19) VCF-style: chr8-145659013-A-G.
Other names: short protein forms F1173L.
Identifiers: ClinVar variation 4745359 (VCV004745359.1).